The following is an entry in ClinVar:

ClinVar aggregate classification (germline): Uncertain significance (1 of 4 stars; one submission).

Allele frequency attached by ClinVar (database versions not stated): gnomAD exomes below 0.00001; TOPMed 0.00001; ExAC 0.00002.
gnomAD v4.1: 4 of 1,612,642 alleles (0.00025%); highest among the groups gnomAD compares: Non-Finnish European, 0.00034%; no homozygotes.

Submission:

GeneDx
Classification: Uncertain significance. Last evaluated: 2019-04-26. Review status: criteria provided, single submitter. Criteria: GeneDx Variant Classification Process June 2021. Collection method: clinical testing. Allele origin: germline. Affected: yes.
Comment: Not observed in large population cohorts (Lek et al., 2016); In silico analysis, which includes protein predictors and evolutionary conservation, supports that this variant does not alter protein structure/function; Has not been previously published as pathogenic or benign to our knowledge

NM_017780.4(CHD7):c.1428G>T (p.Arg476Ser)

Gene: CHD7 (chromodomain helicase DNA binding protein 7; plus strand). Cytogenetic location: 8q12.2.
Variant type: single nucleotide variant.
Coding change: c.1428G>T on transcript NM_017780.4 (MANE Select); coding-DNA position 1428, G replaced by T.
Protein change: p.Arg476Ser; replaces arginine 476 with serine.
Molecular consequence: missense variant.
Genome position (GRCh38, 1-based): chr8:60,742,860, G>T. VCF-style: chr8-60742860-G-T. GRCh37 (hg19) VCF-style: chr8-61655419-G-T.
Other names: c.1428G>T, p.Arg476Ser (NM_001316690.1); short protein forms R476S.
Identifiers: ClinVar variation 1305285 (VCV001305285.2), dbSNP rs766339850, ClinGen allele CA4759492.